The following is an entry in ClinVar:

NM_000057.4(BLM):c.2823G>T (p.Gln941His)

Gene: BLM (BLM RecQ like helicase; plus strand). Cytogenetic location: 15q26.1.
Variant type: single nucleotide variant.
Coding change: c.2823G>T on transcript NM_000057.4 (MANE Select); coding-DNA position 2823, G replaced by T.
Protein change: p.Gln941His; replaces glutamine 941 with histidine.
Molecular consequence: missense variant.
Genome position (GRCh38, 1-based): chr15:90,785,081, G>T. VCF-style: chr15-90785081-G-T. GRCh37 (hg19) VCF-style: chr15-91328311-G-T.
Other names: c.2823G>T, p.Gln941His (NM_001287246.2, NM_001287247.2); c.1698G>T, p.Gln566His (NM_001287248.2); short protein forms Q566H, Q941H.
Identifiers: ClinVar variation 2566843 (VCV002566843.2), dbSNP rs2151179967, ClinGen allele CA393846202.
Genomic context (GRCh38, chr15:90,785,081, plus strand): 5'-CCTCAGTGATTCTGCCAGAGATGAAGTGCAGCAGAAGTGGATTAATCAGGATGGCTGTCA[G>T]GTAACATTTTTAAAGATAAACAAATAATAGAAATAATCTTTTATAGCATATAACCAAACA-3'
Protein context (NP_000048.1, residues 931-951): QQKWINQDGC[Gln941His]VICATIAFGM

ClinVar aggregate classification (germline): Uncertain significance (1 of 4 stars; one submission).

Conditions:
Hereditary cancer-predisposing syndrome. Also called: Hereditary neoplastic syndrome; Hereditary Cancer Syndrome; Neoplastic Syndromes, Hereditary; Tumor predisposition. Identifiers: Orphanet 140162, MedGen C0027672, MeSH D009386, MONDO:0015356.

Submission:

Ambry Genetics
Classification: Uncertain significance for Hereditary cancer-predisposing syndrome. Last evaluated: 2023-06-07. Review status: criteria provided, single submitter. Criteria: Ambry Variant Classification Scheme 2023. Collection method: clinical testing. Allele origin: germline.
Comment: The p.Q941H variant (also known as c.2823G>T), located in coding exon 13 of the BLM gene, results from a G to T substitution at nucleotide position 2823. The glutamine at codon 941 is replaced by histidine, an amino acid with highly similar properties. However, this change occurs in the last base pair of coding exon 13, which makes it likely to have some effect on normal mRNA splicing. This nucleotide position is highly conserved in available vertebrate species. In silico splice site analysis predicts that this alteration will weaken the native splice donor site. This amino acid position is highly conserved in available vertebrate species. In addition, as a missense substitution this is predicted to be inconclusive by in silico analysis. Since supporting evidence is limited at this time, the clinical significance of this alteration remains unclear.